The following is an entry in ClinVar:

ClinVar aggregate classification (germline): Uncertain significance. Review status: criteria provided, multiple submitters, no conflicts (2 of 4 stars). 2 submissions from 2 submitters: Uncertain significance (2). Last evaluated 2022-03-29.

Conditions:
Hereditary cancer-predisposing syndrome. Also called: Tumor predisposition; Hereditary Cancer Syndrome; Hereditary neoplastic syndrome; Neoplastic Syndromes, Hereditary. Identifiers: Orphanet 140162, MedGen C0027672, MeSH D009386, MONDO:0015356.
Gastrointestinal stromal tumor. Also called: Gastrointestinal stroma tumor; Gastrointestinal stromal tumor, somatic. Identifiers: Orphanet 44890, MedGen C0238198, MeSH D046152, MONDO:0011719, OMIM 606764, HP:0100723.

Submissions (2):

Ambry Genetics
Classification: Uncertain significance for Hereditary cancer-predisposing syndrome. Last evaluated: 2022-03-29. Review status: criteria provided, single submitter. Criteria: Ambry Variant Classification Scheme 2023. Collection method: clinical testing. Allele origin: germline.
Comment: The p.D332G variant (also known as c.995A>G), located in coding exon 6 of the KIT gene, results from an A to G substitution at nucleotide position 995. The aspartic acid at codon 332 is replaced by glycine, an amino acid with similar properties. This amino acid position is conserved. In addition, this alteration is predicted to be tolerated by in silico analysis. Since supporting evidence is limited at this time, the clinical significance of this alteration remains unclear.

Labcorp Genetics (formerly Invitae), Labcorp
Classification: Uncertain significance for Gastrointestinal stromal tumor. Last evaluated: 2021-07-16. Review status: criteria provided, single submitter. Criteria: Invitae Variant Classification Sherloc (09022015). Collection method: clinical testing. Allele origin: germline.
Comment: In summary, the available evidence is currently insufficient to determine the role of this variant in disease. Therefore, it has been classified as a Variant of Uncertain Significance. Algorithms developed to predict the effect of sequence changes on RNA splicing suggest that this variant may create or strengthen a splice site. Algorithms developed to predict the effect of missense changes on protein structure and function (SIFT, PolyPhen-2, Align-GVGD) all suggest that this variant is likely to be tolerated. This variant has not been reported in the literature in individuals affected with KIT-related conditions. This variant is not present in population databases (ExAC no frequency). This sequence change replaces aspartic acid with glycine at codon 332 of the KIT protein (p.Asp332Gly). The aspartic acid residue is moderately conserved and there is a moderate physicochemical difference between aspartic acid and glycine.

NM_000222.3(KIT):c.995A>G (p.Asp332Gly)

Gene: KIT (KIT proto-oncogene, receptor tyrosine kinase; plus strand). Cytogenetic location: 4q12.
Variant type: single nucleotide variant.
Coding change: c.995A>G on transcript NM_000222.3 (MANE Select); coding-DNA position 995, A replaced by G.
Protein change: p.Asp332Gly; replaces aspartic acid 332 with glycine.
Molecular consequence: missense variant.
Genome position (GRCh38, 1-based): chr4:54,707,167, A>G. VCF-style: chr4-54707167-A-G. GRCh37 (hg19) VCF-style: chr4-55573333-A-G.
Other names: c.995A>G, p.Asp332Gly (NM_001093772.2, NM_001385285.1, NM_001385286.1); c.998A>G, p.Asp333Gly (NM_001385284.1, NM_001385288.1, NM_001385290.1 and 1 more transcripts); short protein forms D333G, D332G.
Identifiers: ClinVar variation 1367939 (VCV001367939.10), dbSNP rs2109705268, ClinGen allele CA356900916.
Genomic context (GRCh38, chr4:54,707,167, plus strand): 5'-TCATTAATATCTTCCCCATGATAAACACTACAGTATTTGTAAACGATGGAGAAAATGTAG[A>G]TTTGATTGTTGAATATGAAGCATTCCCCAAACCTGAACACCAGCAGTGGATCTATATGAA-3'
Protein context (NP_000213.1, residues 322-342): TVFVNDGENV[Asp332Gly]LIVEYEAFPK